The following is an entry in ClinVar:

ClinVar aggregate classification (germline): Likely benign (0 of 4 stars; one submission).

Conditions:
HLTF-related disorder. Also called: HLTF-related condition.

Allele frequency attached by ClinVar (database versions not stated): gnomAD 0.00006; gnomAD exomes 0.00008; TOPMed 0.00010; ExAC 0.00012; ESP Exome Variant Server 0.00031.
gnomAD v4.1: 134 of 1,612,328 alleles (0.0083%); highest among the groups gnomAD compares: Admixed American, 0.027%; no homozygotes.

Submission:

PreventionGenetics, part of Exact Sciences
Classification: Likely benign for HLTF-related condition. Last evaluated: 2021-03-12. Review status: no assertion criteria provided. Collection method: clinical testing. Allele origin: germline.
Comment: This variant is classified as likely benign based on ACMG/AMP sequence variant interpretation guidelines (Richards et al. 2015 PMID: 25741868, with internal and published modifications).

NM_003071.4(HLTF):c.1227G>A (p.Pro409=)

Gene: HLTF (helicase like transcription factor; minus strand). Cytogenetic location: 3q24.
Variant type: single nucleotide variant.
Coding change: c.1227G>A on transcript NM_003071.4 (MANE Select); coding-DNA position 1227, G replaced by A.
Protein change: p.Pro409=; no amino-acid change (proline 409 retained).
Molecular consequence: synonymous variant.
Genome position (GRCh38, 1-based): chr3:149,060,792, C>T on the plus strand (G>A on the coding strand, the complement: HLTF is on the minus strand). VCF-style: chr3-149060792-C-T. GRCh37 (hg19) VCF-style: chr3-148778579-C-T.
Other names: c.1227G>A, p.Pro409= (NM_001318934.2, NM_001318935.2, NM_139048.3).
Identifiers: ClinVar variation 3036937 (VCV003036937.2), dbSNP rs137985485, ClinGen allele CA2659311.
Genomic context (GRCh38, chr3:149,060,792, plus strand): 5'-CATTAGAATATAGGACACATTATCAAATCAAATCTATTACATGTTACCTTTCATTTTCTG[C>T]GGCAATTCACTTGTTTCAATTTCCTCTGAATCACTGCTTTCTATGTACTGGACAGCAGTT-3'
Protein context (NP_003062.2, residues 399-419): DSEEIETSEL[Pro409=]QKMKGKLKNV